The following is an entry in ClinVar:

NM_001379180.1(ESRRB):c.*1514C>A

Gene: ESRRB (estrogen related receptor beta; plus strand). Cytogenetic location: 14q24.3.
Variant type: single nucleotide variant.
Coding change: c.*1514C>A on transcript NM_001379180.1 (MANE Select); 1514 bases downstream of the stop codon, C replaced by A.
Molecular consequence: 3 prime UTR variant. On other transcripts: missense variant (1).
Genome position (GRCh38, 1-based): chr14:76,499,972, C>A. VCF-style: chr14-76499972-C-A. GRCh37 (hg19) VCF-style: chr14-76966315-C-A.
Other names: c.*1514C>A (NM_001411038.1); c.1406C>A, p.Ser469Tyr (NM_004452.4); short protein forms S469Y.
Identifiers: ClinVar variation 4281720 (VCV004281720.1).

ClinVar aggregate classification (germline): Uncertain significance (1 of 4 stars; one submission).

gnomAD v4.1: 15 of 1,600,918 alleles (0.00094%); highest among the groups gnomAD compares: East Asian, 0.0022%; no homozygotes.

Submission:

GeneDx
Classification: Uncertain significance. Last evaluated: 2025-04-07. Review status: criteria provided, single submitter. Criteria: GeneDx Variant Classification Process June 2021. Collection method: clinical testing. Allele origin: germline. Affected: yes.
Comment: Not observed at significant frequency in large population cohorts (gnomAD); In silico analysis indicates that this missense variant does not alter protein structure/function; Has not been previously published as pathogenic or benign to our knowledge